The following is an entry in ClinVar:

NM_031885.5(BBS2):c.815G>A (p.Arg272Gln)

Gene: BBS2 (Bardet-Biedl syndrome 2; minus strand). Cytogenetic location: 16q13.
Variant type: single nucleotide variant.
Coding change: c.815G>A on transcript NM_031885.5 (MANE Select); coding-DNA position 815, G replaced by A.
Protein change: p.Arg272Gln; replaces arginine 272 with glutamine.
Molecular consequence: missense variant. On other transcripts: non-coding transcript variant (5).
Genome position (GRCh38, 1-based): chr16:56,502,798, C>T on the plus strand (G>A on the coding strand, the complement: BBS2 is on the minus strand). VCF-style: chr16-56502798-C-T. GRCh37 (hg19) VCF-style: chr16-56536710-C-T.
Other names: c.815G>A, p.Arg272Gln (NM_001377456.1); short protein forms R272Q.
Identifiers: ClinVar variation 2181736 (VCV002181736.1), dbSNP rs762922907, ClinGen allele CA8065908.

ClinVar aggregate classification (germline): Uncertain significance (1 of 4 stars; one submission).

Conditions:
Bardet-Biedl syndrome (BBS). Identifiers: Orphanet 110, MedGen C0752166, MONDO:0015229.

Allele frequency attached by ClinVar (database versions not stated): gnomAD 0.00002; gnomAD exomes 0.00002; ExAC 0.00004.
gnomAD v4.1: 31 of 1,613,986 alleles (0.0019%); highest among the groups gnomAD compares: East Asian, 0.0089%; no homozygotes.

Submission:

Labcorp Genetics (formerly Invitae), Labcorp
Classification: Uncertain significance for Bardet-Biedl syndrome. Last evaluated: 2022-08-22. Review status: criteria provided, single submitter. Criteria: Invitae Variant Classification Sherloc (09022015). Collection method: clinical testing. Allele origin: germline.
Comment: This sequence change replaces arginine, which is basic and polar, with glutamine, which is neutral and polar, at codon 272 of the BBS2 protein (p.Arg272Gln). This variant is present in population databases (rs762922907, gnomAD 0.006%). This variant has not been reported in the literature in individuals affected with BBS2-related conditions. Algorithms developed to predict the effect of missense changes on protein structure and function (SIFT, PolyPhen-2, Align-GVGD) all suggest that this variant is likely to be disruptive. In summary, the available evidence is currently insufficient to determine the role of this variant in disease. Therefore, it has been classified as a Variant of Uncertain Significance.